The following is an entry in ClinVar:

ClinVar aggregate classification (germline): Pathogenic (1 of 4 stars; one submission).

Conditions:
Hereditary breast ovarian cancer syndrome. Also called: Hereditary breast and ovarian cancer syndrome; Hereditary breast and/or ovarian cancer syndrome; Hereditary breast and ovarian cancer; Hereditary breast and ovarian cancer syndrome (HBOC); Breast and ovarian cancer; BRCA1- and BRCA2-Associated Hereditary Breast and Ovarian Cancer. Identifiers: Orphanet 145, MedGen C0677776, MeSH D061325, MONDO:0003582. Disease mechanism: loss of function.

Submission:

Labcorp Genetics (formerly Invitae), Labcorp
Classification: Pathogenic for Hereditary breast ovarian cancer syndrome. Last evaluated: 2025-02-27. Review status: criteria provided, single submitter. Criteria: Invitae Variant Classification Sherloc (09022015). Collection method: clinical testing. Allele origin: germline.
Comment: This sequence change creates a premature translational stop signal (p.Glu1213Argfs*5) in the BRCA1 gene. It is expected to result in an absent or disrupted protein product. Loss-of-function variants in BRCA1 are known to be pathogenic (PMID: 20104584). This variant is not present in population databases (gnomAD no frequency). This premature translational stop signal has been observed in individual(s) with breast cancer (PMID: 38355628). For these reasons, this variant has been classified as Pathogenic.

Literature cited by the submitters: PubMed 20104584; PubMed 38355628.

NM_007294.4(BRCA1):c.3637_3638del (p.Glu1213fs)

Genes: BRCA1 (BRCA1 DNA repair associated; minus strand), LOC126862571 (BRD4-independent group 4 enhancer GRCh37_chr17:41243136-41244335; plus strand). Cytogenetic location: 17q21.31.
Variant type: Deletion.
Coding change: c.3637_3638del on transcript NM_007294.4 (MANE Select); coding-DNA positions 3637 to 3638, 2 bases deleted (GA; older notation c.3637_3638delGA).
Protein change: p.Glu1213fs; shifts the reading frame from glutamic acid 1213.
Molecular consequence: frameshift variant. On other transcripts: intron variant (135).
Genome position (GRCh38, 1-based): chr17:43,091,893-43,091,894, TC deleted on the plus strand (GA on the coding strand, the reverse complement: BRCA1 is on the minus strand); deleting any 2 consecutive bases within chr17:43,091,893-43,091,895 gives the same sequence; the c. name uses the placement nearest the transcript's 3' end. VCF-style (leftmost placement, unchanged base first): chr17-43091892-TTC-T. GRCh37 (hg19) VCF-style: chr17-41243909-TTC-T.
Other names: c.3424_3425del, p.Glu1142fs (NM_001407571.1, NM_001407853.1, NM_001407894.1 and 9 more transcripts); c.3634_3635del, p.Glu1212fs (NM_001407590.1, NM_001407587.1, NM_001407591.1 and 22 more transcripts); c.3637_3638del, p.Glu1213fs (NM_001407585.1, NM_001407581.1, NM_001407582.1 and 30 more transcripts); c.3628_3629del, p.Glu1210fs (NM_001407646.1, NM_001407647.1); c.3514_3515del, p.Glu1172fs (NM_001407648.1, NM_001407664.1, NM_001407665.1 and 19 more transcripts); c.3511_3512del, p.Glu1171fs (NM_001407649.1, NM_001407670.1, NM_001407671.1 and 11 more transcripts); c.3559_3560del, p.Glu1187fs (NM_001407653.1, NM_001407654.1, NM_001407655.1 and 4 more transcripts); c.3556_3557del, p.Glu1186fs (NM_001407659.1, NM_001407660.1, NM_001407661.1 and 1 more transcripts); and 41 more; short protein forms E1085fs, E1125fs, E1142fs, E1145fs, E1165fs, E1171fs, E1187fs, E1101fs.
Identifiers: ClinVar variation 3724296 (VCV003724296.2).